The following is an entry in ClinVar:

ClinVar aggregate classification (germline): Likely benign (1 of 4 stars; one submission).

Conditions:
Pheochromocytoma/paraganglioma syndrome 5. Also called: Paragangliomas 5; SDHA-Related Hereditary Paraganglioma-Pheochromocytoma Syndrome. Identifiers: Orphanet 29072, MedGen C3279992, MONDO:0013602, OMIM 614165.

gnomAD v4.1: 6 of 1,613,420 alleles (0.00037%); highest among the groups gnomAD compares: Non-Finnish European, 0.00042%; no homozygotes.

Submission:

Myriad Genetics, Inc.
Classification: Likely benign for Pheochromocytoma/paraganglioma syndrome 5. Last evaluated: 2025-03-03. Review status: criteria provided, single submitter. Criteria: Myriad Autosomal Dominant, Autosomal Recessive and X-Linked Classification Criteria (2023). Collection method: clinical testing. Allele origin: unknown.
Comment: This variant is considered likely benign. This variant is intronic and is not expected to impact mRNA splicing.

NM_004168.4(SDHA):c.622-17T>C

Gene: SDHA (succinate dehydrogenase complex flavoprotein subunit A; plus strand). Cytogenetic location: 5p15.33.
Variant type: single nucleotide variant.
Coding change: c.622-17T>C on transcript NM_004168.4 (MANE Select); 17 bases into the intron before coding-DNA position 622, T replaced by C.
Molecular consequence: intron variant.
Genome position (GRCh38, 1-based): chr5:228,168, T>C. VCF-style: chr5-228168-T-C. GRCh37 (hg19) VCF-style: chr5-228283-T-C.
Other names: c.622-17T>C (NM_001330758.2); c.478-17T>C (NM_001294332.2).
Identifiers: ClinVar variation 3904519 (VCV003904519.1).